The following is an entry in ClinVar:

ClinVar aggregate classification (germline): Likely benign (1 of 4 stars; one submission).

Allele frequency attached by ClinVar (database versions not stated): gnomAD exomes 0.00020; ExAC 0.00047; ESP Exome Variant Server 0.00185; 1000 Genomes Project 30x 0.00187; gnomAD 0.00212; 1000 Genomes Project 0.00220; TOPMed 0.00226.

Submission:

CeGaT Center for Human Genetics Tuebingen
Classification: Likely benign. Last evaluated: 2023-04-01. Review status: criteria provided, single submitter. Criteria: CeGaT Center For Human Genetics Tuebingen Variant Classification Criteria Version 2. Collection method: clinical testing. Allele origin: germline. Affected: yes. Observed: 1 variant allele.
Comment: RAD51AP2: BP4, BP7

NM_001099218.3(RAD51AP2):c.603T>G (p.Thr201=)

Gene: RAD51AP2 (RAD51 associated protein 2; minus strand). Cytogenetic location: 2p24.2.
Variant type: single nucleotide variant.
Coding change: c.603T>G on transcript NM_001099218.3 (MANE Select); coding-DNA position 603, T replaced by G.
Protein change: p.Thr201=; no amino-acid change (threonine 201 retained).
Molecular consequence: synonymous variant.
Genome position (GRCh38, 1-based): chr2:17,517,813, A>C on the plus strand (T>G on the coding strand, the complement: RAD51AP2 is on the minus strand). VCF-style: chr2-17517813-A-C. GRCh37 (hg19) VCF-style: chr2-17699080-A-C.
Other names: c.576T>G, p.Thr192= (NM_001321233.1).
Identifiers: ClinVar variation 2650698 (VCV002650698.24), dbSNP rs182236509, ClinGen allele CA1539144.
Genomic context (GRCh38, chr2:17,517,813, plus strand): 5'-ATTTGATGGCACAACACTGTTAGCTTTACATCTGTTCTTAATTTCATGAAATGGTGATTT[A>C]GTTTCCTTGTAAAAGGTAACATCTAAAAATGGATTTTCTTTGTGAACATTGTCTCTTCCT-3'
Protein context (NP_001092688.1, residues 191-211): PFLDVTFYKE[Thr201=]KSPFHEIKNR